The following is an entry in ClinVar:

NM_130384.3(ATRIP):c.1951C>A (p.Gln651Lys)

Genes: ATRIP (ATR interacting protein; plus strand), ATRIP-TREX1 (ATRIP-TREX1 readthrough; plus strand). Cytogenetic location: 3p21.31.
Variant type: single nucleotide variant.
Coding change: c.1951C>A on transcript NM_130384.3 (MANE Select); coding-DNA position 1951, C replaced by A.
Protein change: p.Gln651Lys; replaces glutamine 651 with lysine.
Molecular consequence: missense variant. On other transcripts: non-coding transcript variant (1).
Genome position (GRCh38, 1-based): chr3:48,464,109, C>A. VCF-style: chr3-48464109-C-A. GRCh37 (hg19) VCF-style: chr3-48505508-C-A.
Other names: c.1570C>A, p.Gln524Lys (NM_001271022.2); c.1672C>A, p.Gln558Lys (NM_001271023.2); c.1951C>A, p.Gln651Lys (NM_032166.4); short protein forms Q524K, Q651K, Q558K.
Identifiers: ClinVar variation 4842159 (VCV004842159.1).

ClinVar aggregate classification (germline): Uncertain significance (1 of 4 stars; one submission).

Submission:

Ambry Genetics
Classification: Uncertain significance. Last evaluated: 2025-12-18. Review status: criteria provided, single submitter. Criteria: Ambry Variant Classification Scheme 2023. Collection method: clinical testing. Allele origin: germline.
Comment: The p.Q651K variant (also known as c.1951C>A), located in coding exon 10 of the ATRIP gene, results from a C to A substitution at nucleotide position 1951. The glutamine at codon 651 is replaced by lysine, an amino acid with similar properties. This amino acid position is conserved. In addition, this alteration is predicted to be tolerated by in silico analysis. Based on the available evidence, the clinical significance of this variant remains unclear.